The following is an entry in ClinVar:

ClinVar aggregate classification (germline): Conflicting classifications of pathogenicity. Review status: criteria provided, conflicting classifications (1 of 4 stars). 2 submissions from 2 submitters: Uncertain significance (1); Likely benign (1). Last evaluated 2025-01-17.

Conditions:
Severe combined immunodeficiency due to DNA-PKcs deficiency. Also called: IMMUNODEFICIENCY 26 WITH NEUROLOGIC ABNORMALITIES; Immunodeficiency 26 with or without neurologic abnormalities. Identifiers: Orphanet 317425, MedGen C4014833, MONDO:0014423, OMIM 615966.

Allele frequency attached by ClinVar (database versions not stated): gnomAD 0.00001 and 0.00002; gnomAD exomes 0.00001 and 0.00002; ExAC 0.00003; 1000 Genomes Project 30x 0.00016; 1000 Genomes Project 0.00020.
gnomAD v4.1: 38 of 1,504,536 alleles (0.0025%); highest among the groups gnomAD compares: East Asian, 0.03%; no homozygotes.

Submissions (2):

Labcorp Genetics (formerly Invitae), Labcorp
Classification: Uncertain significance for Severe combined immunodeficiency due to DNA-PKcs deficiency. Last evaluated: 2025-01-17. Review status: criteria provided, single submitter. Criteria: Invitae Variant Classification Sherloc (09022015). Collection method: clinical testing. Allele origin: germline.
Comment: This sequence change replaces glutamine, which is neutral and polar, with glutamic acid, which is acidic and polar, at codon 3148 of the PRKDC protein (p.Gln3148Glu). This variant is present in population databases (rs373275113, gnomAD 0.009%). This variant has not been reported in the literature in individuals affected with PRKDC-related conditions. ClinVar contains an entry for this variant (Variation ID: 656033). Invitae Evidence Modeling of protein sequence and biophysical properties (such as structural, functional, and spatial information, amino acid conservation, physicochemical variation, residue mobility, and thermodynamic stability) indicates that this missense variant is not expected to disrupt PRKDC protein function with a negative predictive value of 80%. In summary, the available evidence is currently insufficient to determine the role of this variant in disease. Therefore, it has been classified as a Variant of Uncertain Significance.

Blueprint Genetics
Classification: Likely benign. Last evaluated: 2024-10-28. Review status: criteria provided, single submitter. Criteria: ACMG Guidelines, 2015. Collection method: clinical testing. Allele origin: germline.

NM_006904.7(PRKDC):c.9442C>G (p.Gln3148Glu)

Gene: PRKDC (protein kinase, DNA-activated, catalytic subunit; minus strand). Cytogenetic location: 8q11.21.
Variant type: single nucleotide variant.
Coding change: c.9442C>G on transcript NM_006904.7 (MANE Select); coding-DNA position 9442, C replaced by G.
Protein change: p.Gln3148Glu; replaces glutamine 3148 with glutamic acid.
Molecular consequence: missense variant.
Genome position (GRCh38, 1-based): chr8:47,819,405, G>C on the plus strand (C>G on the coding strand, the complement: PRKDC is on the minus strand). VCF-style: chr8-47819405-G-C. GRCh37 (hg19) VCF-style: chr8-48731966-G-C.
Other names: c.9442C>G, p.Gln3148Glu (NM_001081640.2); short protein forms Q3148E.
Identifiers: ClinVar variation 656033 (VCV000656033.8), dbSNP rs373275113, ClinGen allele CA4739587.
Genomic context (GRCh38, chr8:47,819,405, plus strand): 5'-ATGCTAAAACTCTTCCACAATTAGAAATGAAAAAAAAAGACCGATGAAAAAAATTACCTT[G>C]TTTGCTTATAAAGCTGATGAACTCCTGAATTTCTGTTAAAGCCTGTACAGACTGCAATTT-3'
Protein context (NP_008835.5, residues 3138-3158): IQEFISFISK[Gln3148Glu]GNLSSQVPLK